The following is an entry in ClinVar:

ClinVar aggregate classification (germline): Uncertain significance (1 of 4 stars; one submission).

Conditions:
Dyskeratosis congenita. Identifiers: Orphanet 1775, MedGen C0265965, MONDO:0015780.

Allele frequency attached by ClinVar (database versions not stated): gnomAD exomes below 0.00001.

Submission:

Labcorp Genetics (formerly Invitae), Labcorp
Classification: Uncertain significance for Dyskeratosis congenita. Last evaluated: 2023-07-25. Review status: criteria provided, single submitter. Criteria: Invitae Variant Classification Sherloc (09022015). Collection method: clinical testing. Allele origin: germline.
Comment: Algorithms developed to predict the effect of sequence changes on RNA splicing suggest that this variant may create or strengthen a splice site. In summary, the available evidence is currently insufficient to determine the role of this variant in disease. Therefore, it has been classified as a Variant of Uncertain Significance. This variant has not been reported in the literature in individuals affected with TINF2-related conditions. This sequence change falls in intron 4 of the TINF2 gene. It does not directly change the encoded amino acid sequence of the TINF2 protein. This variant is not present in population databases (gnomAD no frequency).

NM_001099274.3(TINF2):c.507+12G>A

Gene: TINF2 (TERF1 interacting nuclear factor 2; minus strand). Cytogenetic location: 14q12.
Variant type: single nucleotide variant.
Coding change: c.507+12G>A on transcript NM_001099274.3 (MANE Select); 12 bases into the intron after coding-DNA position 507, G replaced by A.
Molecular consequence: intron variant.
Genome position (GRCh38, 1-based): chr14:24,241,192, C>T on the plus strand (G>A on the coding strand, the complement: TINF2 is on the minus strand). VCF-style: chr14-24241192-C-T. GRCh37 (hg19) VCF-style: chr14-24710398-C-T.
Other names: c.507+12G>A (NM_012461.3); c.402+12G>A (NM_001363668.2).
Identifiers: ClinVar variation 3016503 (VCV003016503.3), dbSNP rs2502460943, ClinGen allele CA2624345402.